The following is an entry in ClinVar:

NM_019066.5(MAGEL2):c.2182C>T (p.Arg728Cys)

Gene: MAGEL2 (MAGE family member L2; minus strand). Cytogenetic location: 15q11.2.
Variant type: single nucleotide variant.
Coding change: c.2182C>T on transcript NM_019066.5 (MANE Select); coding-DNA position 2182, C replaced by T.
Protein change: p.Arg728Cys; replaces arginine 728 with cysteine.
Molecular consequence: missense variant.
Genome position (GRCh38, 1-based): chr15:23,645,561, G>A on the plus strand (C>T on the coding strand, the complement: MAGEL2 is on the minus strand). VCF-style: chr15-23645561-G-A. GRCh37 (hg19) VCF-style: chr15-23890708-G-A.
Other names: short protein forms R728C.
Identifiers: ClinVar variation 3030914 (VCV003030914.4), dbSNP rs781530773, ClinGen allele CA267659391.
Genomic context (GRCh38, chr15:23,645,561, plus strand): 5'-CTTTTGAAGGGGCCCTGCGCTCCTTCGAGGAGGTCCTGCGCTCTTTAGAGGAGCCCCTGC[G>A]GTCTATAGAAGAGGCCCTGCATTCTCCTGATGGAGTCATCAATGATTTAGCGGAGCCCAG-3'
Protein context (NP_061939.3, residues 718-738): SGECRASSID[Arg728Cys]RGSSKERRTS

ClinVar aggregate classification (germline): Uncertain significance. Review status: criteria provided, single submitter (1 of 4 stars). 2 submissions from 2 submitters: Uncertain significance (1). 1 of the submissions does not count toward it. Last evaluated 2024-05-31.

Conditions:
MAGEL2-related disorder. Also called: MAGEL2-related condition.

gnomAD v4.1: 2 of 1,612,532 alleles (0.00012%); highest among the groups gnomAD compares: African/African-American, 0.0013%; no homozygotes.

Submissions (2):

Labcorp Genetics (formerly Invitae), Labcorp
Classification: Uncertain significance. Last evaluated: 2024-05-31. Review status: criteria provided, single submitter. Criteria: Invitae Variant Classification Sherloc (09022015). Collection method: clinical testing. Allele origin: germline.
Comment: This sequence change replaces arginine, which is basic and polar, with cysteine, which is neutral and slightly polar, at codon 728 of the MAGEL2 protein (p.Arg728Cys). This variant is not present in population databases (gnomAD no frequency). This variant has not been reported in the literature in individuals affected with MAGEL2-related conditions. Advanced modeling of protein sequence and biophysical properties (such as structural, functional, and spatial information, amino acid conservation, physicochemical variation, residue mobility, and thermodynamic stability) performed at Invitae indicates that this missense variant is not expected to disrupt MAGEL2 protein function with a negative predictive value of 80%. In summary, the available evidence is currently insufficient to determine the role of this variant in disease. Therefore, it has been classified as a Variant of Uncertain Significance.

PreventionGenetics, part of Exact Sciences
Classification: Uncertain significance for MAGEL2-related condition. Last evaluated: 2024-01-22. Review status: no assertion criteria provided. Collection method: clinical testing. Allele origin: germline. Not counted in ClinVar's aggregate classification.
Comment: The MAGEL2 c.2182C>T variant is predicted to result in the amino acid substitution p.Arg728Cys. To our knowledge, this variant has not been reported in the literature or in a large population database, indicating this variant is rare. At this time, the clinical significance of this variant is uncertain due to the absence of conclusive functional and genetic evidence.